The following is an entry in ClinVar:

NM_001037.5(SCN1B):c.461T>C (p.Met154Thr)

Gene: SCN1B (sodium voltage-gated channel beta subunit 1; plus strand). Cytogenetic location: 19q13.11.
Variant type: single nucleotide variant.
Coding change: c.461T>C on transcript NM_001037.5 (MANE Select); coding-DNA position 461, T replaced by C.
Protein change: p.Met154Thr; replaces methionine 154 with threonine.
Molecular consequence: missense variant.
Genome position (GRCh38, 1-based): chr19:35,039,129, T>C. VCF-style: chr19-35039129-T-C. GRCh37 (hg19) VCF-style: chr19-35530033-T-C.
Other names: c.362T>C, p.Met121Thr (NM_001321605.2); short protein forms M154T, M121T.
Identifiers: ClinVar variation 537733 (VCV000537733.15), dbSNP rs1432198305, ClinGen allele CA405329920.

ClinVar aggregate classification (germline): Uncertain significance. Review status: criteria provided, multiple submitters, no conflicts (2 of 4 stars). 4 submissions from 4 submitters: Uncertain significance (3). 1 of the submissions does not count toward it. Last evaluated 2025-12-30.

Conditions:
SCN1B-related disorder. Also called: SCN1B-Related Disorders; SCN1B-related condition.
Cardiovascular phenotype. Identifiers: MedGen CN230736.
Brugada syndrome 5 (BRGDA5). Identifiers: Orphanet 130, Orphanet 871, MedGen C2748541, MONDO:0013015, OMIM 612838.

Allele frequency attached by ClinVar (database versions not stated): gnomAD exomes below 0.00001.

Submissions (4):

Labcorp Genetics (formerly Invitae), Labcorp
Classification: Uncertain significance for Brugada syndrome 5. Last evaluated: 2025-12-30. Review status: criteria provided, single submitter. Criteria: Invitae Variant Classification Sherloc (09022015). Collection method: clinical testing. Allele origin: germline.
Comment: The SCN1B gene has multiple clinically relevant transcripts. This variant occurs in alternate transcript NM_001037.5, and corresponds to NM_199037.3:c.*5031T>C in the primary transcript. This sequence change replaces methionine, which is neutral and non-polar, with threonine, which is neutral and polar, at codon 154 of the SCN1B protein (p.Met154Thr). This variant is not present in population databases (gnomAD no frequency). This variant has not been reported in the literature in individuals affected with SCN1B-related conditions. Experimental studies and prediction algorithms are not available or were not evaluated, and the functional significance of this variant is currently unknown. In summary, the available evidence is currently insufficient to determine the role of this variant in disease. Therefore, it has been classified as a Variant of Uncertain Significance.

Ambry Genetics
Classification: Uncertain significance for Cardiovascular phenotype. Last evaluated: 2022-06-27. Review status: criteria provided, single submitter. Criteria: Ambry Variant Classification Scheme 2023. Collection method: clinical testing. Allele origin: germline.

GeneDx
Classification: Uncertain significance. Last evaluated: 2019-12-10. Review status: criteria provided, single submitter. Criteria: GeneDx Variant Classification Process June 2021. Collection method: clinical testing. Allele origin: germline. Affected: yes.
Comment: Not observed in large population cohorts (Lek et al., 2016); In silico analysis, which includes protein predictors and evolutionary conservation, supports that this variant does not alter protein structure/function; Has not been previously published as pathogenic or benign to our knowledge

PreventionGenetics, part of Exact Sciences
Classification: Uncertain significance for SCN1B-related condition. Last evaluated: 2024-06-13. Review status: no assertion criteria provided. Collection method: clinical testing. Allele origin: germline. Not counted in ClinVar's aggregate classification.
Comment: The SCN1B c.461T>C variant is predicted to result in the amino acid substitution p.Met154Thr. To our knowledge, this variant has not been reported in the literature or in a large population database, indicating this variant is rare. At this time, the clinical significance of this variant is uncertain due to the absence of conclusive functional and genetic evidence.